The following is an entry in ClinVar:

ClinVar aggregate classification (germline): Uncertain significance (1 of 4 stars; one submission).

Conditions:
Multicentric osteolysis nodulosis arthropathy spectrum. Identifiers: Orphanet 3460, Orphanet 371428, MedGen C1850155, MONDO:0018298.

Submission:

Baylor Genetics
Classification: Uncertain significance for Multicentric osteolysis, nodulosis, and arthropathy. Last evaluated: 2020-09-19. Review status: criteria provided, single submitter. Criteria: ACMG Guidelines, 2015. Collection method: clinical testing. Allele origin: unknown. Affected: yes.
Comment: This variant was determined to be of uncertain significance according to ACMG Guidelines, 2015 [PMID:25741868].

NM_004530.6(MMP2):c.628G>T (p.Asp210Tyr)

Gene: MMP2 (matrix metallopeptidase 2; plus strand). Cytogenetic location: 16q12.2.
Variant type: single nucleotide variant.
Coding change: c.628G>T on transcript NM_004530.6 (MANE Select); coding-DNA position 628, G replaced by T.
Protein change: p.Asp210Tyr; replaces aspartic acid 210 with tyrosine.
Molecular consequence: missense variant.
Genome position (GRCh38, 1-based): chr16:55,485,397, G>T. VCF-style: chr16-55485397-G-T. GRCh37 (hg19) VCF-style: chr16-55519309-G-T.
Other names: c.478G>T, p.Asp160Tyr (NM_001127891.3); c.400G>T, p.Asp134Tyr (NM_001302508.1, NM_001302509.2, NM_001302510.2); short protein forms D160Y, D210Y, D134Y.
Identifiers: ClinVar variation 1029860 (VCV001029860.1), dbSNP rs1230286710, ClinGen allele CA395933369.